The following is an entry in ClinVar:

ClinVar aggregate classification (germline): Uncertain significance. Review status: criteria provided, multiple submitters, no conflicts (2 of 4 stars). 2 submissions from 2 submitters: Uncertain significance (2). Last evaluated 2025-03-20.

Submissions (2):

GeneDx
Classification: Uncertain significance. Last evaluated: 2025-03-20. Review status: criteria provided, single submitter. Criteria: GeneDx Variant Classification Process June 2021. Collection method: clinical testing. Allele origin: germline. Affected: yes.
Comment: Not observed at significant frequency in large population cohorts (gnomAD); In silico analysis indicates that this missense variant does not alter protein structure/function; Has not been previously published as pathogenic or benign to our knowledge

Labcorp Genetics (formerly Invitae), Labcorp
Classification: Uncertain significance. Last evaluated: 2023-12-01. Review status: criteria provided, single submitter. Criteria: Invitae Variant Classification Sherloc (09022015). Collection method: clinical testing. Allele origin: germline.
Comment: This sequence change replaces isoleucine, which is neutral and non-polar, with valine, which is neutral and non-polar, at codon 867 of the TCF20 protein (p.Ile867Val). This variant is not present in population databases (gnomAD no frequency). This variant has not been reported in the literature in individuals affected with TCF20-related conditions. An algorithm developed to predict the effect of missense changes on protein structure and function (PolyPhen-2) suggests that this variant is likely to be disruptive. In summary, the available evidence is currently insufficient to determine the role of this variant in disease. Therefore, it has been classified as a Variant of Uncertain Significance.

NM_001378418.1(TCF20):c.2599A>G (p.Ile867Val)

Gene: TCF20 (transcription factor 20; minus strand). Cytogenetic location: 22q13.2.
Variant type: single nucleotide variant.
Coding change: c.2599A>G on transcript NM_001378418.1 (MANE Select); coding-DNA position 2599, A replaced by G.
Protein change: p.Ile867Val; replaces isoleucine 867 with valine.
Molecular consequence: missense variant.
Genome position (GRCh38, 1-based): chr22:42,212,707, T>C on the plus strand (A>G on the coding strand, the complement: TCF20 is on the minus strand). VCF-style: chr22-42212707-T-C. GRCh37 (hg19) VCF-style: chr22-42608713-T-C.
Other names: c.2599A>G, p.Ile867Val (NM_005650.4, NM_181492.3); c.2599A>G (NM_005650.1); short protein forms I867V.
Identifiers: ClinVar variation 2700227 (VCV002700227.4), dbSNP rs2518224806, ClinGen allele CA411788299.